The following is an entry in ClinVar:

ClinVar aggregate classification (germline): Benign (1 of 4 stars; one submission).

Allele frequency attached by ClinVar (database versions not stated): 1000 Genomes Project 30x 0.86290; 1000 Genomes Project 0.86302; TOPMed 0.87655; gnomAD 0.88456 and 0.88501.
gnomAD v4.1: 134,264 of 151,666 alleles (89%); highest among the groups gnomAD compares: Non-Finnish European, 93%; 59,751 homozygotes.

Submission:

GeneDx
Classification: Benign. Last evaluated: 2018-06-14. Review status: criteria provided, single submitter. Criteria: GeneDx Variant Classification (06012015). Collection method: clinical testing. Allele origin: germline. Affected: yes.
Comment: This variant is considered likely benign or benign based on one or more of the following criteria: it is a conservative change, it occurs at a poorly conserved position in the protein, it is predicted to be benign by multiple in silico algorithms, and/or has population frequency not consistent with disease.

NM_001377.3(DYNC2H1):c.6347+257G>C

Gene: DYNC2H1 (dynein cytoplasmic 2 heavy chain 1; plus strand). Cytogenetic location: 11q22.3.
Variant type: single nucleotide variant.
Coding change: c.6347+257G>C on transcript NM_001377.3 (MANE Select); 257 bases into the intron after coding-DNA position 6347, G replaced by C.
Molecular consequence: intron variant.
Genome position (GRCh38, 1-based): chr11:103,179,490, G>C. VCF-style: chr11-103179490-G-C. GRCh37 (hg19) VCF-style: chr11-103050219-G-C.
Other names: c.6347+257G>C (NM_001080463.2).
Identifiers: ClinVar variation 667716 (VCV000667716.1), dbSNP rs628939, ClinGen allele CA227403598.